The following is an entry in ClinVar:

ClinVar aggregate classification (germline): Uncertain significance (1 of 4 stars; one submission).

Conditions:
Dilated cardiomyopathy 1J (CMD1J). Also called: CARDIOMYOPATHY, DILATED, WITH SENSORINEURAL HEARING LOSS, AUTOSOMAL DOMINANT. Identifiers: Orphanet 217622, MedGen C1854368, MONDO:0011541, OMIM 605362.

Submission:

Labcorp Genetics (formerly Invitae), Labcorp
Classification: Uncertain significance for Dilated cardiomyopathy 1J. Last evaluated: 2023-10-28. Review status: criteria provided, single submitter. Criteria: Invitae Variant Classification Sherloc (09022015). Collection method: clinical testing. Allele origin: germline.
Comment: This sequence change replaces threonine, which is neutral and polar, with arginine, which is basic and polar, at codon 15 of the EYA4 protein (p.Thr15Arg). This variant is not present in population databases (gnomAD no frequency). This variant has not been reported in the literature in individuals affected with EYA4-related conditions. An algorithm developed to predict the effect of missense changes on protein structure and function (PolyPhen-2) suggests that this variant is likely to be tolerated. In summary, the available evidence is currently insufficient to determine the role of this variant in disease. Therefore, it has been classified as a Variant of Uncertain Significance.

NM_004100.5(EYA4):c.44C>G (p.Thr15Arg)

Gene: EYA4 (EYA transcriptional coactivator and phosphatase 4; plus strand). Cytogenetic location: 6q23.2.
Variant type: single nucleotide variant.
Coding change: c.44C>G on transcript NM_004100.5 (MANE Select); coding-DNA position 44, C replaced by G.
Protein change: p.Thr15Arg; replaces threonine 15 with arginine.
Molecular consequence: missense variant.
Genome position (GRCh38, 1-based): chr6:133,382,402, C>G. VCF-style: chr6-133382402-C-G. GRCh37 (hg19) VCF-style: chr6-133703540-C-G.
Other names: c.44C>G, p.Thr15Arg (NM_001301012.2, NM_001301013.2, NM_001370458.1 and 3 more transcripts); short protein forms T15R.
Identifiers: ClinVar variation 2785635 (VCV002785635.3), dbSNP rs769070323, ClinGen allele CA365837798.
Genomic context (GRCh38, chr6:133,382,402, plus strand): 5'-TGAGGAAGTTGTATTTTCATATGAGAATAACTAGTACTCTTTTCTTACAGGTAAAGAAAA[C>G]GTGCACAGAATCAGATGTTTCACAATCTCAGAATTCCAGGTACAGTAAAATAAAGACCAA-3'
Protein context (NP_004091.3, residues 5-25): QDLNEQSVKK[Thr15Arg]CTESDVSQSQ